The following is an entry in ClinVar:

ClinVar aggregate classification (germline): Conflicting classifications of pathogenicity. Review status: criteria provided, conflicting classifications (1 of 4 stars). 9 submissions from 6 submitters: Uncertain significance (8); Likely benign (1). Last evaluated 2026-01-25.

Conditions:
Combined immunodeficiency with skin granulomas. Identifiers: Orphanet 157949, MedGen C2673536, MONDO:0009306, OMIM 233650.
Severe combined immunodeficiency, autosomal recessive, T cell-negative, B cell-negative, NK cell-positive. Also called: SCID, T CELL-NEGATIVE, B CELL-NEGATIVE, NK CELL-POSITIVE; Severe combined immunodeficiency due to complete RAG1/2 deficiency; SCID, AR, T-cell negative, B-cell negative, NK cell-positive. Identifiers: Orphanet 331206, MedGen C1832322, MONDO:0011086, OMIM 601457.
Histiocytic medullary reticulosis. Also called: SEVERE COMBINED IMMUNODEFICIENCY WITH HYPEREOSINOPHILIA; Omenn syndrome. Identifiers: Orphanet 39041, MedGen C2700553, MONDO:0011338, OMIM 603554.

Allele frequency attached by ClinVar (database versions not stated): TOPMed 0.00012; gnomAD 0.00016 and 0.00017; ESP Exome Variant Server 0.00023; gnomAD exomes 0.00026; ExAC 0.00030.
gnomAD v4.1: 339 of 1,614,138 alleles (0.021%); highest among the groups gnomAD compares: South Asian, 0.046%; 1 homozygote.

Submissions (9):

Labcorp Genetics (formerly Invitae), Labcorp
Classification: Likely benign for Combined immunodeficiency with skin granulomas; Severe combined immunodeficiency, autosomal recessive, T cell-negative, B cell-negative, NK cell-positive. Last evaluated: 2026-01-25. Review status: criteria provided, single submitter. Criteria: Invitae Variant Classification Sherloc (09022015). Collection method: clinical testing. Allele origin: germline.

Blueprint Genetics
Classification: Uncertain significance. Last evaluated: 2024-11-26. Review status: criteria provided, single submitter. Criteria: ACMG Guidelines, 2015. Collection method: clinical testing. Allele origin: germline.

Genome-Nilou Lab
Classification: Uncertain significance for Combined immunodeficiency with skin granulomas. Last evaluated: 2021-07-22. Review status: criteria provided, single submitter. Criteria: ACMG Guidelines, 2015. Collection method: clinical testing. Allele origin: germline. Affected: no.

Genome-Nilou Lab
Classification: Uncertain significance for Histiocytic medullary reticulosis. Last evaluated: 2021-07-22. Review status: criteria provided, single submitter. Criteria: ACMG Guidelines, 2015. Collection method: clinical testing. Allele origin: germline. Affected: no.

Genome-Nilou Lab
Classification: Uncertain significance for Severe combined immunodeficiency, autosomal recessive, T cell-negative, B cell-negative, NK cell-positive. Last evaluated: 2021-05-18. Review status: criteria provided, single submitter. Criteria: ACMG Guidelines, 2015. Collection method: clinical testing. Allele origin: germline. Affected: no.

Baylor Genetics
Classification: Uncertain significance for Combined immunodeficiency with skin granulomas. Last evaluated: 2019-02-06. Review status: criteria provided, single submitter. Criteria: ACMG Guidelines, 2015. Collection method: clinical testing. Allele origin: maternal. Affected: yes.
Comment: This variant was determined to be of uncertain significance according to ACMG Guidelines, 2015 [PMID:25741868].

Illumina Laboratory Services, Illumina
Classification: Uncertain significance for Severe combined immunodeficiency, autosomal recessive, T cell-negative, B cell-negative, NK cell-positive. Last evaluated: 2018-01-13. Review status: criteria provided, single submitter. Criteria: ICSL Variant Classification Criteria 13 December 2019. Collection method: clinical testing. Allele origin: germline.

Illumina Laboratory Services, Illumina
Classification: Uncertain significance for Histiocytic medullary reticulosis. Last evaluated: 2018-01-13. Review status: criteria provided, single submitter. Criteria: ICSL Variant Classification Criteria 13 December 2019. Collection method: clinical testing. Allele origin: germline.

Center for Genomics, Ann and Robert H. Lurie Children's Hospital of Chicago
Classification: Uncertain significance for Severe combined immunodeficiency, autosomal recessive, T cell-negative, B cell-negative, NK cell-positive; Combined immunodeficiency with skin granulomas; Histiocytic medullary reticulosis. Review status: criteria provided, single submitter. Criteria: ACMG Guidelines, 2015. Collection method: clinical testing. Allele origin: germline.
Comment: This variant has not been reported in the literature but is present in the Genome Aggregation Database (Highest reported MAF 0.03% [21/68030]). This variant is present in ClinVar (Variation ID: 704774). This variant amino acid Cysteine (Cys) is present in several species including multiple mammals and is not well conserved among evolutionarily distant species; this suggests that this variant may not impact the protein. Additional computational prediction tools do not suggest an impact. In summary, data on this variant is insufficient for disease classification. Therefore, the clinical significance of this variant is uncertain.

NM_000536.4(RAG2):c.367C>T (p.Arg123Cys)

Gene: RAG2 (recombination activating 2; minus strand). Cytogenetic location: 11p12.
Variant type: single nucleotide variant.
Coding change: c.367C>T on transcript NM_000536.4 (MANE Select); coding-DNA position 367, C replaced by T.
Protein change: p.Arg123Cys; replaces arginine 123 with cysteine.
Molecular consequence: missense variant.
Genome position (GRCh38, 1-based): chr11:36,593,802, G>A on the plus strand (C>T on the coding strand, the complement: RAG2 is on the minus strand). VCF-style: chr11-36593802-G-A. GRCh37 (hg19) VCF-style: chr11-36615352-G-A.
Other names: c.367C>T, p.Arg123Cys (NM_001243785.2, NM_001243786.2); short protein forms R123C.
Identifiers: ClinVar variation 704774 (VCV000704774.22), dbSNP rs147319483, ClinGen allele CA5950585.